The following is an entry in ClinVar:

ClinVar aggregate classification (germline): Uncertain significance (1 of 4 stars; one submission).

Conditions:
Inborn genetic diseases. Identifiers: MedGen C0950123, MeSH D030342.

Allele frequency attached by ClinVar (database versions not stated): gnomAD exomes below 0.00001.
gnomAD v4.1: 1 of 1,614,230 alleles (0.000062%); no homozygotes.

Submission:

Ambry Genetics
Classification: Uncertain significance for Inborn genetic diseases. Last evaluated: 2022-04-19. Review status: criteria provided, single submitter. Criteria: Ambry Variant Classification Scheme 2023. Collection method: clinical testing. Allele origin: germline.
Comment: The p.R597G variant (also known as c.1789A>G), located in coding exon 15 of the BUB1B gene, results from an A to G substitution at nucleotide position 1789. The arginine at codon 597 is replaced by glycine, an amino acid with dissimilar properties. This amino acid position is conserved. In addition, this alteration is predicted to be tolerated by in silico analysis.Since supporting evidence is limited at this time, the clinical significance of this alteration remains unclear.

NM_001211.6(BUB1B):c.1789A>G (p.Arg597Gly)

Gene: BUB1B (BUB1 mitotic checkpoint serine/threonine kinase B; plus strand). Cytogenetic location: 15q15.1.
Variant type: single nucleotide variant.
Coding change: c.1789A>G on transcript NM_001211.6 (MANE Select); coding-DNA position 1789, A replaced by G.
Protein change: p.Arg597Gly; replaces arginine 597 with glycine.
Molecular consequence: missense variant.
Genome position (GRCh38, 1-based): chr15:40,206,238, A>G. VCF-style: chr15-40206238-A-G. GRCh37 (hg19) VCF-style: chr15-40498439-A-G.
Other names: short protein forms R597G.
Identifiers: ClinVar variation 1780143 (VCV001780143.3), dbSNP rs2542564721, ClinGen allele CA391692370.